The following is an entry in ClinVar:

NM_020795.4(NLGN2):c.485C>T (p.Ala162Val)

Gene: NLGN2 (neuroligin 2; plus strand). Cytogenetic location: 17p13.1.
Variant type: single nucleotide variant.
Coding change: c.485C>T on transcript NM_020795.4 (MANE Select); coding-DNA position 485, C replaced by T.
Protein change: p.Ala162Val; replaces alanine 162 with valine.
Molecular consequence: missense variant.
Genome position (GRCh38, 1-based): chr17:7,412,184, C>T. VCF-style: chr17-7412184-C-T. GRCh37 (hg19) VCF-style: chr17-7315503-C-T.
Other names: short protein forms A162V.
Identifiers: ClinVar variation 2885024 (VCV002885024.3), dbSNP rs371423406, ClinGen allele CA8345863.

ClinVar aggregate classification (germline): Uncertain significance (1 of 4 stars; one submission).

Allele frequency attached by ClinVar (database versions not stated): gnomAD 0.00003; ESP Exome Variant Server 0.00008.

Submission:

Labcorp Genetics (formerly Invitae), Labcorp
Classification: Uncertain significance. Last evaluated: 2024-01-18. Review status: criteria provided, single submitter. Criteria: Invitae Variant Classification Sherloc (09022015). Collection method: clinical testing. Allele origin: germline.
Comment: This sequence change replaces alanine, which is neutral and non-polar, with valine, which is neutral and non-polar, at codon 162 of the NLGN2 protein (p.Ala162Val). This variant is present in population databases (rs371423406, gnomAD 0.01%). This variant has not been reported in the literature in individuals affected with NLGN2-related conditions. An algorithm developed to predict the effect of missense changes on protein structure and function (PolyPhen-2) suggests that this variant is likely to be tolerated. In summary, the available evidence is currently insufficient to determine the role of this variant in disease. Therefore, it has been classified as a Variant of Uncertain Significance.